The following is an entry in ClinVar:

ClinVar aggregate classification (germline): Uncertain significance. Review status: criteria provided, single submitter (1 of 4 stars). 2 submissions from 2 submitters: Uncertain significance (1). 1 of the submissions does not count toward it. Last evaluated 2025-11-06.

Conditions:
Charcot-Marie-Tooth disease, type I (CMT1). Also called: Charcot-Marie-Tooth disease type 1; Charcot-Marie-Tooth, Type 1. Identifiers: Orphanet 65753, MedGen C0751036, MONDO:0019011.
Charcot-Marie-Tooth disease. Also called: Charcot-Marie-Tooth Hereditary Neuropathy; Charcot-Marie-Tooth Neuropathy. Identifiers: Orphanet 166, MedGen C0007959, MONDO:0015626.

Submissions (2):

Labcorp Genetics (formerly Invitae), Labcorp
Classification: Uncertain significance for Charcot-Marie-Tooth disease, type I. Last evaluated: 2025-11-06. Review status: criteria provided, single submitter. Criteria: Invitae Variant Classification Sherloc (09022015). Collection method: clinical testing. Allele origin: germline.
Comment: This sequence change replaces asparagine, which is neutral and polar, with tyrosine, which is neutral and polar, at codon 131 of the MPZ protein (p.Asn131Tyr). This variant is not present in population databases (gnomAD no frequency). This missense change has been observed in individual(s) with MPZ-related conditions (PMID: 17294201). ClinVar contains an entry for this variant (Variation ID: 637359). Invitae Evidence Modeling of protein sequence and biophysical properties (such as structural, functional, and spatial information, amino acid conservation, physicochemical variation, residue mobility, and thermodynamic stability) indicates that this missense variant is expected to disrupt MPZ protein function with a positive predictive value of 80%. This variant disrupts the p.Asn131 amino acid residue in MPZ. Other variant(s) that disrupt this residue have been determined to be pathogenic (PMID: 20621479, 21940171; internal data). This suggests that this residue is clinically significant, and that variants that disrupt this residue are likely to be disease-causing. In summary, the available evidence is currently insufficient to determine the role of this variant in disease. Therefore, it has been classified as a Variant of Uncertain Significance.

Inherited Neuropathy Consortium
Classification: Uncertain significance for Charcot-Marie-Tooth disease. Review status: no assertion criteria provided. Collection method: literature only. Allele origin: germline. Affected: yes. Not counted in ClinVar's aggregate classification.

Literature cited by the submitters: PubMed 17294201 (cited by Labcorp Genetics (formerly Invitae), Labcorp and Inherited Neuropathy Consortium); PubMed 20621479 (cited by Labcorp Genetics (formerly Invitae), Labcorp); PubMed 21940171 (cited by Labcorp Genetics (formerly Invitae), Labcorp).

NM_000530.8(MPZ):c.391A>T (p.Asn131Tyr)

Gene: MPZ (myelin protein zero; minus strand). Cytogenetic location: 1q23.3.
Variant type: single nucleotide variant.
Coding change: c.391A>T on transcript NM_000530.8 (MANE Select); coding-DNA position 391, A replaced by T.
Protein change: p.Asn131Tyr; replaces asparagine 131 with tyrosine.
Molecular consequence: missense variant.
Genome position (GRCh38, 1-based): chr1:161,306,765, T>A on the plus strand (A>T on the coding strand, the complement: MPZ is on the minus strand). VCF-style: chr1-161306765-T-A. GRCh37 (hg19) VCF-style: chr1-161276555-T-A.
Other names: c.391A>T, p.Asn131Tyr (NM_001315491.2); c.391A>T (LRG_256t1); short protein forms N131Y.
Identifiers: ClinVar variation 637359 (VCV000637359.2), dbSNP rs1571818826, ClinGen allele CA343348762.